The following is an entry in ClinVar:

ClinVar aggregate classification (germline): Uncertain significance. Review status: criteria provided, multiple submitters, no conflicts (2 of 4 stars). 2 submissions from 2 submitters: Uncertain significance (2). Last evaluated 2025-08-11.

Conditions:
Hereditary cancer-predisposing syndrome. Also called: Tumor predisposition; Hereditary Cancer Syndrome; Hereditary neoplastic syndrome; Neoplastic Syndromes, Hereditary. Identifiers: Orphanet 140162, MedGen C0027672, MeSH D009386, MONDO:0015356.
Ataxia-telangiectasia syndrome (AT). Also called: ATAXIA-TELANGIECTASIA, COMPLEMENTATION GROUP A; ATAXIA-TELANGIECTASIA, FRESNO VARIANT; Ataxia-telangiectasia; Ataxia-telangiectasia, complementation group E; LOUIS-BAR SYNDROME; Cerebello-oculocutaneous telangiectasia. Identifiers: Orphanet 100, MedGen C0004135, MONDO:0008840, OMIM 208900.

Submissions (2):

Ambry Genetics
Classification: Uncertain significance for Hereditary cancer-predisposing syndrome. Last evaluated: 2025-08-11. Review status: criteria provided, single submitter. Criteria: Ambry Variant Classification Scheme 2023. Collection method: clinical testing. Allele origin: germline.
Comment: The p.C2735F variant (also known as c.8204G>T), located in coding exon 55 of the ATM gene, results from a G to T substitution at nucleotide position 8204. The cysteine at codon 2735 is replaced by phenylalanine, an amino acid with highly dissimilar properties. This amino acid position is highly conserved in available vertebrate species. In addition, this alteration is predicted to be deleterious by in silico analysis. Based on the available evidence, the clinical significance of this variant remains unclear.

Labcorp Genetics (formerly Invitae), Labcorp
Classification: Uncertain significance for Ataxia-telangiectasia syndrome. Last evaluated: 2022-04-30. Review status: criteria provided, single submitter. Criteria: Invitae Variant Classification Sherloc (09022015). Collection method: clinical testing. Allele origin: germline.
Comment: In summary, the available evidence is currently insufficient to determine the role of this variant in disease. Therefore, it has been classified as a Variant of Uncertain Significance. Advanced modeling of protein sequence and biophysical properties (such as structural, functional, and spatial information, amino acid conservation, physicochemical variation, residue mobility, and thermodynamic stability) performed at Invitae indicates that this missense variant is expected to disrupt ATM protein function. This variant has not been reported in the literature in individuals affected with ATM-related conditions. This variant is not present in population databases (gnomAD no frequency). This sequence change replaces cysteine, which is neutral and slightly polar, with phenylalanine, which is neutral and non-polar, at codon 2735 of the ATM protein (p.Cys2735Phe).

NM_000051.4(ATM):c.8204G>T (p.Cys2735Phe)

Genes: ATM (ATM serine/threonine kinase; plus strand), C11orf65 (chromosome 11 open reading frame 65; minus strand). Cytogenetic location: 11q22.3.
Variant type: single nucleotide variant.
Coding change: c.8204G>T on transcript NM_000051.4 (MANE Select); coding-DNA position 8204, G replaced by T.
Protein change: p.Cys2735Phe; replaces cysteine 2735 with phenylalanine.
Molecular consequence: missense variant. On other transcripts: intron variant (2).
Genome position (GRCh38, 1-based): chr11:108,335,897, G>T. VCF-style: chr11-108335897-G-T. GRCh37 (hg19) VCF-style: chr11-108206624-G-T.
Other names: c.8204G>T, p.Cys2735Phe (NM_001351834.2); c.641-26826C>A (NM_001330368.2); c.695-605C>A (NM_001351110.2); short protein forms C2735F.
Identifiers: ClinVar variation 2132253 (VCV002132253.5), dbSNP rs2136695919, ClinGen allele CA382562569.